The following is an entry in ClinVar:

ClinVar aggregate classification (germline): Likely benign. Review status: criteria provided, multiple submitters, no conflicts (2 of 4 stars). 8 submissions from 5 submitters: Likely benign (8). Last evaluated 2025-12-03.

Conditions:
Hypokalemic periodic paralysis, type 1. Also called: Hypokalemic Periodic Paralysis Type 1 (AD); HypoPP. Identifiers: Orphanet 681, MedGen C3714580, MONDO:0042979, OMIM 170400.
Malignant hyperthermia, susceptibility to, 5 (MHS5). Also called: CACNA1S-Related Malignant Hyperthermia Susceptibility. Identifiers: Orphanet 423, MedGen C1866077, MONDO:0011163, OMIM 601887.
Thyrotoxic periodic paralysis, susceptibility to, 1 (TTPP1). Identifiers: Orphanet 79102, MedGen C2749982, MONDO:0008570, OMIM 188580.
Congenital myopathy 18. Also called: DIHYDROPYRIDINE RECEPTOR CONGENITAL MYOPATHY; DHPR CONGENITAL MYOPATHY; Myopathy, congenital, due to dihydropyridine receptor defect. Identifiers: MedGen C5830283, MONDO:0859514, OMIM 620246.

Allele frequency attached by ClinVar (database versions not stated): TOPMed 0.00003; ExAC 0.00004.
gnomAD v4.1: 72 of 1,614,056 alleles (0.0045%); highest among the groups gnomAD compares: Admixed American, 0.013%; no homozygotes.

Submissions (8):

Labcorp Genetics (formerly Invitae), Labcorp
Classification: Likely benign for Hypokalemic periodic paralysis, type 1; Malignant hyperthermia, susceptibility to, 5. Last evaluated: 2025-12-03. Review status: criteria provided, single submitter. Criteria: Invitae Variant Classification Sherloc (09022015). Collection method: clinical testing. Allele origin: germline.

All of Us Research Program, National Institutes of Health
Classification: Likely benign for Malignant hyperthermia, susceptibility to, 5. Last evaluated: 2024-01-11. Review status: criteria provided, single submitter. Criteria: ACMG Guidelines, 2015. Collection method: clinical testing. Allele origin: germline. Inheritance: Autosomal dominant inheritance. Observed: 5 variant alleles, 5 heterozygotes.
Comment: This study involves interpretation of variants in research participants for the purpose of population health screening. Participant phenotype was not available at the time of variant classification. Additional details can be found in publication PMID: 35346344, PMCID: PMC8962531

Genome-Nilou Lab
Classification: Likely benign for Malignant hyperthermia, susceptibility to, 5. Last evaluated: 2023-04-11. Review status: criteria provided, single submitter. Criteria: ACMG Guidelines, 2015. Collection method: clinical testing. Allele origin: germline. Affected: no.

Genome-Nilou Lab
Classification: Likely benign for Thyrotoxic periodic paralysis, susceptibility to, 1. Last evaluated: 2023-04-11. Review status: criteria provided, single submitter. Criteria: ACMG Guidelines, 2015. Collection method: clinical testing. Allele origin: germline. Affected: no.

Genome-Nilou Lab
Classification: Likely benign for Congenital myopathy 18. Last evaluated: 2023-04-11. Review status: criteria provided, single submitter. Criteria: ACMG Guidelines, 2015. Collection method: clinical testing. Allele origin: germline. Affected: no.

Genome-Nilou Lab
Classification: Likely benign for Hypokalemic periodic paralysis, type 1. Last evaluated: 2023-04-11. Review status: criteria provided, single submitter. Criteria: ACMG Guidelines, 2015. Collection method: clinical testing. Allele origin: germline. Affected: no.

Color Diagnostics, LLC DBA Color Health
Classification: Likely benign for Malignant hyperthermia, susceptibility to, 5. Last evaluated: 2022-11-06. Review status: criteria provided, single submitter. Criteria: ACMG Guidelines, 2015. Collection method: clinical testing. Allele origin: germline.

Fulgent Genetics
Classification: Likely benign for Hypokalemic periodic paralysis, type 1; Thyrotoxic periodic paralysis, susceptibility to, 1; Malignant hyperthermia, susceptibility to, 5. Last evaluated: 2021-12-23. Review status: criteria provided, single submitter. Criteria: ACMG Guidelines, 2015. Collection method: clinical testing. Allele origin: unknown.

NM_000069.3(CACNA1S):c.2979C>T (p.Ser993=)

Gene: CACNA1S (calcium voltage-gated channel subunit alpha1 S; minus strand). Cytogenetic location: 1q32.1.
Variant type: single nucleotide variant.
Coding change: c.2979C>T on transcript NM_000069.3 (MANE Select); coding-DNA position 2979, C replaced by T.
Protein change: p.Ser993=; no amino-acid change (serine 993 retained).
Molecular consequence: synonymous variant.
Genome position (GRCh38, 1-based): chr1:201,062,018, G>A on the plus strand (C>T on the coding strand, the complement: CACNA1S is on the minus strand). VCF-style: chr1-201062018-G-A. GRCh37 (hg19) VCF-style: chr1-201031146-G-A.
Identifiers: ClinVar variation 700991 (VCV000700991.14), dbSNP rs146497999, ClinGen allele CA079464.